The following is an entry in ClinVar:

ClinVar aggregate classification (germline): Conflicting classifications of pathogenicity. Review status: criteria provided, conflicting classifications (1 of 4 stars). 2 submissions from 2 submitters: Likely pathogenic (1); Uncertain significance (1). Last evaluated 2024-12-04.

Conditions:
KMT2D-related disorder. Also called: KMT2D-Related Disorders.
Kabuki syndrome. Also called: Kabuki make-up syndrome; NIIKAWA-KUROKI SYNDROME. Identifiers: Orphanet 2322, MedGen C0796004, MONDO:0016512.

Submissions (2):

PreventionGenetics, part of Exact Sciences
Classification: Likely pathogenic for KMT2D-related condition. Last evaluated: 2024-12-04. Review status: criteria provided, single submitter. Criteria: ACMG Guidelines, 2015. Collection method: clinical testing. Allele origin: germline.
Comment: The KMT2D c.15914C>G variant is predicted to result in the amino acid substitution p.Ala5305Gly. This variant has a strong predicted splice effect, based on available splicing prediction programs (SpliceAI, Jaganathan et al. 2019. PubMed ID: 30661751). However, splice prediction programs are imperfect and not equivalent to functional evidence. To our knowledge, this variant has not been reported in the literature or in a large population database (gnomAD), indicating this variant is rare. This variant is interpreted as likely pathogenic.

Labcorp Genetics (formerly Invitae), Labcorp
Classification: Uncertain significance for Kabuki syndrome. Last evaluated: 2024-09-05. Review status: criteria provided, single submitter. Criteria: Invitae Variant Classification Sherloc (09022015). Collection method: clinical testing. Allele origin: germline.
Comment: This sequence change replaces alanine, which is neutral and non-polar, with glycine, which is neutral and non-polar, at codon 5305 of the KMT2D protein (p.Ala5305Gly). This variant is not present in population databases (gnomAD no frequency). This variant has not been reported in the literature in individuals affected with KMT2D-related conditions. Invitae Evidence Modeling of protein sequence and biophysical properties (such as structural, functional, and spatial information, amino acid conservation, physicochemical variation, residue mobility, and thermodynamic stability) has been performed for this missense variant. However, the output from this modeling did not meet the statistical confidence thresholds required to predict the impact of this variant on KMT2D protein function. Algorithms developed to predict the effect of sequence changes on RNA splicing suggest that this variant may disrupt the consensus splice site. In summary, the available evidence is currently insufficient to determine the role of this variant in disease. Therefore, it has been classified as a Variant of Uncertain Significance.

NM_003482.4(KMT2D):c.15914C>G (p.Ala5305Gly)

Gene: KMT2D (lysine methyltransferase 2D; minus strand). Cytogenetic location: 12q13.12.
Variant type: single nucleotide variant.
Coding change: c.15914C>G on transcript NM_003482.4 (MANE Select); coding-DNA position 15914, C replaced by G.
Protein change: p.Ala5305Gly; replaces alanine 5305 with glycine.
Molecular consequence: missense variant.
Genome position (GRCh38, 1-based): chr12:49,024,817, G>C on the plus strand (C>G on the coding strand, the complement: KMT2D is on the minus strand). VCF-style: chr12-49024817-G-C. GRCh37 (hg19) VCF-style: chr12-49418600-G-C.
Other names: short protein forms A5305G.
Identifiers: ClinVar variation 3635084 (VCV003635084.3).